The following is an entry in ClinVar:

ClinVar aggregate classification (germline): Uncertain significance (1 of 4 stars; one submission).

Allele frequency attached by ClinVar (database versions not stated): gnomAD exomes below 0.00001; gnomAD 0.00001; TOPMed 0.00001.

Submission:

Labcorp Genetics (formerly Invitae), Labcorp
Classification: Uncertain significance. Last evaluated: 2021-08-08. Review status: criteria provided, single submitter. Criteria: Invitae Variant Classification Sherloc (09022015). Collection method: clinical testing. Allele origin: germline.
Comment: This sequence change replaces leucine with valine at codon 428 of the NLRP1 protein (p.Leu428Val). The leucine residue is weakly conserved and there is a small physicochemical difference between leucine and valine. This variant is not present in population databases (ExAC no frequency). This variant has not been reported in the literature in individuals with NLRP1-related conditions. Algorithms developed to predict the effect of missense changes on protein structure and function output the following: SIFT: "Tolerated"; PolyPhen-2: "Benign"; Align-GVGD: "Class C0". The valine amino acid residue is found in multiple mammalian species, suggesting that this missense change does not adversely affect protein function. These predictions have not been confirmed by published functional studies and their clinical significance is uncertain. In summary, the available evidence is currently insufficient to determine the role of this variant in disease. Therefore, it has been classified as a Variant of Uncertain Significance.

NM_033004.4(NLRP1):c.1282C>G (p.Leu428Val)

Gene: NLRP1 (NLR family pyrin domain containing 1; minus strand). Cytogenetic location: 17p13.2.
Variant type: single nucleotide variant.
Coding change: c.1282C>G on transcript NM_033004.4 (MANE Select); coding-DNA position 1282, C replaced by G.
Protein change: p.Leu428Val; replaces leucine 428 with valine.
Molecular consequence: missense variant.
Genome position (GRCh38, 1-based): chr17:5,559,414, G>C on the plus strand (C>G on the coding strand, the complement: NLRP1 is on the minus strand). VCF-style: chr17-5559414-G-C. GRCh37 (hg19) VCF-style: chr17-5462734-G-C.
Other names: c.1282C>G, p.Leu428Val (NM_001033053.3, NM_014922.5, NM_033006.4 and 1 more transcripts); short protein forms L428V.
Identifiers: ClinVar variation 1429420 (VCV001429420.8), dbSNP rs1451112324, ClinGen allele CA397386277.
Genomic context (GRCh38, chr17:5,559,414, plus strand): 5'-TAGTTTTCCCCAGCAAACTGCCCAGCAGTGCATCCGCCGGCTGTGGCTGGCTCCAGTGCA[G>C]ACAGAGCTCAGAACTCGGCTCCTGCAAGACCCATCCTGGCTCATCTACACCATCGAGGAT-3'
Protein context (NP_127497.1, residues 418-438): VLQEPSSELC[Leu428Val]HWSQPQPADA